The following is an entry in ClinVar:

NM_006005.3(WFS1):c.1562T>G (p.Leu521Arg)

Gene: WFS1 (wolframin ER transmembrane glycoprotein; plus strand). Cytogenetic location: 4p16.1.
Variant type: single nucleotide variant.
Coding change: c.1562T>G on transcript NM_006005.3 (MANE Select); coding-DNA position 1562, T replaced by G.
Protein change: p.Leu521Arg; replaces leucine 521 with arginine.
Molecular consequence: missense variant.
Genome position (GRCh38, 1-based): chr4:6,301,357, T>G. VCF-style: chr4-6301357-T-G. GRCh37 (hg19) VCF-style: chr4-6303084-T-G.
Other names: c.1562T>G, p.Leu521Arg (NM_001145853.1); short protein forms L521R.
Identifiers: ClinVar variation 2654620 (VCV002654620.24), dbSNP rs2474194255, ClinGen allele CA356175975.

ClinVar aggregate classification (germline): Uncertain significance (1 of 4 stars; one submission).

Allele frequency attached by ClinVar (database versions not stated): gnomAD exomes below 0.00001.
gnomAD v4.1: 4 of 1,612,546 alleles (0.00025%); highest among the groups gnomAD compares: Non-Finnish European, 0.00034%; no homozygotes.

Submission:

CeGaT Center for Human Genetics Tuebingen
Classification: Uncertain significance. Last evaluated: 2022-07-01. Review status: criteria provided, single submitter. Criteria: CeGaT Center For Human Genetics Tuebingen Variant Classification Criteria Version 2. Collection method: clinical testing. Allele origin: germline. Affected: yes. Observed: 1 variant allele.
Comment: WFS1: PM2